The following is an entry in ClinVar:

NM_001267550.2(TTN):c.67683G>C (p.Leu22561Phe)

Genes: TTN (titin; minus strand), TTN-AS1 (TTN antisense RNA 1; plus strand), LOC126806423 (CDK7 strongly-dependent group 2 enhancer GRCh37_chr2:179443309-179444508; plus strand). Cytogenetic location: 2q31.2.
Variant type: single nucleotide variant.
Coding change: c.67683G>C on transcript NM_001267550.2 (MANE Select); coding-DNA position 67683, G replaced by C.
Protein change: p.Leu22561Phe; replaces leucine 22561 with phenylalanine.
Molecular consequence: missense variant.
Genome position (GRCh38, 1-based): chr2:178,579,347, C>G on the plus strand (G>C on the coding strand, the complement: TTN is on the minus strand). VCF-style: chr2-178579347-C-G. GRCh37 (hg19) VCF-style: chr2-179444074-C-G.
Other names: c.59979G>C, p.Leu19993Phe (NM_133378.4); c.62760G>C, p.Leu20920Phe (NM_001256850.1); c.40488G>C, p.Leu13496Phe (NM_003319.4); c.40863G>C, p.Leu13621Phe (NM_133432.3); c.41064G>C, p.Leu13688Phe (NM_133437.4); short protein forms L19993F, L22561F, L20920F, L13496F, L13621F, L13688F.
Identifiers: ClinVar variation 229497 (VCV000229497.5), dbSNP rs876658076, ClinGen allele CA10576494.
Genomic context (GRCh38, chr2:178,579,347, plus strand): 5'-TGATGGAGCTGGCTTGCCTTTTATGGGGATCTTAAGCCGGAAGTTGCTGTTTTCTTTAGC[C>G]AAGTAGCACAAATCAGGTAGACCCTTTAAGTCAAGATCAGGAGCCACTGTAAAATAGCAG-3'
Protein context (NP_001254479.2, residues 22551-22571): DLKGLPDLCY[Leu22561Phe]AKENSNFRLK

ClinVar aggregate classification (germline): Uncertain significance (1 of 4 stars; one submission).

Allele frequency attached by ClinVar (database versions not stated): gnomAD exomes below 0.00001.
gnomAD v4.1: 2 of 1,601,138 alleles (0.00012%); highest among the groups gnomAD compares: Non-Finnish European, 0.00017%; no homozygotes.

Submission:

Laboratory for Molecular Medicine, Mass General Brigham Personalized Medicine
Classification: Uncertain significance. Last evaluated: 2015-06-12. Review status: criteria provided, single submitter. Criteria: LMM Criteria. Collection method: clinical testing. Allele origin: germline. Observed: 1 variant allele.
Comment: The p.Leu19993Phe variant in TTN has not been previously reported in individuals with cardiomyopathy and was absent from large population studies. Computational prediction tools and conservation analysis suggest that the variant may not imp act the protein, though this information is not predictive enough to rule out pa thogenicity. In summary, the clinical significance of the p.Leu19993Phe variant is uncertain.